The following is an entry in ClinVar:

ClinVar aggregate classification (germline): Uncertain significance (1 of 4 stars; one submission).

Allele frequency attached by ClinVar (database versions not stated): gnomAD 0.00001; gnomAD exomes 0.00001; ExAC 0.00002; TOPMed 0.00002; ESP Exome Variant Server 0.00008.
gnomAD v4.1: 10 of 1,612,948 alleles (0.00062%); highest among the groups gnomAD compares: African/African-American, 0.0027%; no homozygotes.

Submission:

Labcorp Genetics (formerly Invitae), Labcorp
Classification: Uncertain significance. Last evaluated: 2022-04-04. Review status: criteria provided, single submitter. Criteria: Invitae Variant Classification Sherloc (09022015). Collection method: clinical testing. Allele origin: germline.
Comment: This sequence change replaces arginine, which is basic and polar, with histidine, which is basic and polar, at codon 227 of the ABHD5 protein (p.Arg227His). This variant is present in population databases (rs143489624, gnomAD 0.008%). This variant has not been reported in the literature in individuals affected with ABHD5-related conditions. Algorithms developed to predict the effect of missense changes on protein structure and function (SIFT, PolyPhen-2, Align-GVGD) all suggest that this variant is likely to be tolerated. In summary, the available evidence is currently insufficient to determine the role of this variant in disease. Therefore, it has been classified as a Variant of Uncertain Significance.

NM_016006.6(ABHD5):c.680G>A (p.Arg227His)

Gene: ABHD5 (abhydrolase domain containing 5, lysophosphatidic acid acyltransferase; plus strand). Cytogenetic location: 3p21.33.
Variant type: single nucleotide variant.
Coding change: c.680G>A on transcript NM_016006.6 (MANE Select); coding-DNA position 680, G replaced by A.
Protein change: p.Arg227His; replaces arginine 227 with histidine.
Molecular consequence: missense variant.
Genome position (GRCh38, 1-based): chr3:43,714,965, G>A. VCF-style: chr3-43714965-G-A. GRCh37 (hg19) VCF-style: chr3-43756457-G-A.
Other names: c.680G>A, p.Arg227His (NM_001355186.2, NM_001365650.1); c.557G>A, p.Arg186His (NM_001365649.1); short protein forms R186H, R227H.
Identifiers: ClinVar variation 2428346 (VCV002428346.3), dbSNP rs143489624, ClinGen allele CA2341413.